The following is an entry in ClinVar:

ClinVar aggregate classification (germline): Uncertain significance (1 of 4 stars; one submission).

Conditions:
Long QT syndrome (LQTS). Identifiers: MedGen C0023976, MeSH D008133, MONDO:0002442. Disease mechanism: loss of function. Inheritance: Various modes of inheritance.

Submission:

Labcorp Genetics (formerly Invitae), Labcorp
Classification: Uncertain significance for Long QT syndrome. Last evaluated: 2022-05-31. Review status: criteria provided, single submitter. Criteria: Invitae Variant Classification Sherloc (09022015). Collection method: clinical testing. Allele origin: germline.
Comment: This variant has not been reported in the literature in individuals affected with CACNA1C-related conditions. Algorithms developed to predict the effect of missense changes on protein structure and function are either unavailable or do not agree on the potential impact of this missense change (SIFT: "Tolerated"; PolyPhen-2: "Probably Damaging"; Align-GVGD: "Class C0"). In summary, the available evidence is currently insufficient to determine the role of this variant in disease. Therefore, it has been classified as a Variant of Uncertain Significance. This variant is not present in population databases (gnomAD no frequency). This sequence change replaces leucine, which is neutral and non-polar, with phenylalanine, which is neutral and non-polar, at codon 539 of the CACNA1C protein (p.Leu539Phe).

NM_000719.7(CACNA1C):c.1615C>T (p.Leu539Phe)

Gene: CACNA1C (calcium voltage-gated channel subunit alpha1 C; plus strand). Cytogenetic location: 12p13.33.
Variant type: single nucleotide variant.
Coding change: c.1615C>T on transcript NM_000719.7 (MANE Select); coding-DNA position 1615, C replaced by T.
Protein change: p.Leu539Phe; replaces leucine 539 with phenylalanine.
Molecular consequence: missense variant.
Genome position (GRCh38, 1-based): chr12:2,566,528, C>T. VCF-style: chr12-2566528-C-T. GRCh37 (hg19) VCF-style: chr12-2675694-C-T.
Other names: c.1615C>T, p.Leu539Phe (NM_001129827.2, NM_001129829.2, NM_001129830.3 and 18 more transcripts); c.1606C>T, p.Leu536Phe (NM_001129844.2); short protein forms L539F, L536F.
Identifiers: ClinVar variation 2001334 (VCV002001334.4), dbSNP rs2512770934, ClinGen allele CA383368614.